The following is an entry in ClinVar:

ClinVar aggregate classification (germline): Uncertain significance (1 of 4 stars; one submission).

Submission:

GeneDx
Classification: Uncertain significance. Last evaluated: 2025-01-14. Review status: criteria provided, single submitter. Criteria: GeneDx Variant Classification Process June 2021. Collection method: clinical testing. Allele origin: germline. Affected: yes.
Comment: In silico analyses, including protein predictors and evolutionary conservation, support a deleterious effect; Reported using an alternate transcript of the gene; Has not been previously published as pathogenic or benign to our knowledge

NM_001394966.1(NEK10):c.2183C>T (p.Pro728Leu)

Gene: NEK10 (NIMA related kinase 10; minus strand). Cytogenetic location: 3p24.1.
Variant type: single nucleotide variant.
Coding change: c.2183C>T on transcript NM_001394966.1 (MANE Select); coding-DNA position 2183, C replaced by T.
Protein change: p.Pro728Leu; replaces proline 728 with leucine.
Molecular consequence: missense variant. On other transcripts: intron variant (1).
Genome position (GRCh38, 1-based): chr3:27,202,465, G>A on the plus strand (C>T on the coding strand, the complement: NEK10 is on the minus strand). VCF-style: chr3-27202465-G-A. GRCh37 (hg19) VCF-style: chr3-27243956-G-A.
Other names: c.119C>T, p.Pro40Leu (NM_001031741.5, NM_001304384.3); c.2183C>T, p.Pro728Leu (NM_001394963.1, NM_001394965.1, NM_001394970.1 and 2 more transcripts); c.2096C>T, p.Pro699Leu (NM_001394964.1, NM_001394967.1); c.2066C>T, p.Pro689Leu (NM_001394968.1); c.2004-10223C>T (NM_001394969.1); short protein forms P40L, P689L, P699L, P728L.
Identifiers: ClinVar variation 4056818 (VCV004056818.1).
Genomic context (GRCh38, chr3:27,202,465, plus strand): 5'-TTCTGTCTCCCAGCGTTGCTTACTTTTGTAGCCAAGGACAGCATGTTAGTGCTGTAGAAG[G>A]GGGGACTCAAAGTCGCCATCTGATAAAGGATGCAGCCTACTGCCCAGACATCAGCCTTCT-3'
Protein context (NP_001381895.1, residues 718-738): ILYQMATLSP[Pro728Leu]FYSTNMLSLA